The following is an entry in ClinVar:

NC_000007.13:g.(?_6022445)_(6022632_?)del

Gene: PMS2 (PMS1 homolog 2, mismatch repair system component; minus strand). Cytogenetic location: 7p22.1.
Variant type: Deletion.
Identifiers: ClinVar variation 1068868 (VCV001068868.2).

ClinVar aggregate classification (germline): Pathogenic (1 of 4 stars; one submission).

Conditions:
Hereditary nonpolyposis colorectal neoplasms. Identifiers: MedGen C0009405, MeSH D003123.

Submission:

Labcorp Genetics (formerly Invitae), Labcorp
Classification: Pathogenic for Hereditary nonpolyposis colorectal neoplasms. Last evaluated: 2021-06-15. Review status: criteria provided, single submitter. Criteria: Invitae Variant Classification Sherloc (09022015). Collection method: clinical testing. Allele origin: germline.
Comment: This variant is a gross deletion of the genomic region encompassing exon(s) 12 of the PMS2 gene. This variant would be expected to be in-frame, preserving the integrity of the reading frame. Similar deletions have been observed in individual(s) with clinical features of Lynch syndrome, including individuals with colon polyps, colorectal cancer, ovarian cancer, pancreatic cancer, and prostate cancer (PMID: 30702970, Invitae). This variant disrupts the N-terminal portion of the MLH1 interacting domain of the PMS2 protein, which likely disrupts PMS2-MLH1 interaction (PMID: 10037723). While functional studies have not been performed to directly test the effect of this variant on PMS2 protein function, this suggests that disruption of this region of the protein is causative of disease. For these reasons, this variant has been classified as Pathogenic.

Literature cited by the submitters: PubMed 30702970; PubMed 10037723.